The following is an entry in ClinVar:

NM_001130438.3(SPTAN1):c.363+3G>A

Gene: SPTAN1 (spectrin alpha, non-erythrocytic 1; plus strand). Cytogenetic location: 9q34.11.
Variant type: single nucleotide variant.
Coding change: c.363+3G>A on transcript NM_001130438.3 (MANE Select); 3 bases into the intron after coding-DNA position 363, G replaced by A.
Molecular consequence: intron variant.
Genome position (GRCh38, 1-based): chr9:128,568,900, G>A. VCF-style: chr9-128568900-G-A. GRCh37 (hg19) VCF-style: chr9-131331179-G-A.
Other names: c.399+3G>A (NM_001375318.1, NM_001375312.2); c.363+3G>A (NM_001375311.2, NM_001375314.2, NM_001375310.1 and 5 more transcripts).
Identifiers: ClinVar variation 2759844 (VCV002759844.3), dbSNP rs1352024308, ClinGen allele CA590641226.

ClinVar aggregate classification (germline): Uncertain significance (1 of 4 stars; one submission).

Conditions:
Early-infantile DEE. Also called: Ohtahara syndrome; Early infantile epileptic encephalopathy; Early infantile epileptic encephalopathy with suppression bursts. Identifiers: Orphanet 1934, MedGen C0393706, MONDO:0800491.

Allele frequency attached by ClinVar (database versions not stated): gnomAD exomes below 0.00001.
gnomAD v4.1: 1 of 1,614,034 alleles (0.000062%); highest among the groups gnomAD compares: East Asian, 0.0022%; no homozygotes.

Submission:

Labcorp Genetics (formerly Invitae), Labcorp
Classification: Uncertain significance for Early-infantile DEE. Last evaluated: 2023-09-10. Review status: criteria provided, single submitter. Criteria: Invitae Variant Classification Sherloc (09022015). Collection method: clinical testing. Allele origin: germline.
Comment: This variant has not been reported in the literature in individuals affected with SPTAN1-related conditions. This variant is present in population databases (no rsID available, gnomAD 0.006%). This sequence change falls in intron 3 of the SPTAN1 gene. It does not directly change the encoded amino acid sequence of the SPTAN1 protein. It affects a nucleotide within the consensus splice site. In summary, the available evidence is currently insufficient to determine the role of this variant in disease. Therefore, it has been classified as a Variant of Uncertain Significance. Variants that disrupt the consensus splice site are a relatively common cause of aberrant splicing (PMID: 17576681, 9536098). Algorithms developed to predict the effect of sequence changes on RNA splicing suggest that this variant is not likely to affect RNA splicing.

Literature cited by the submitters: PubMed 17576681; PubMed 9536098.